The following is an entry in ClinVar:

ClinVar aggregate classification (germline): Uncertain significance (1 of 4 stars; one submission).

Conditions:
Cryopyrin associated periodic syndrome (CAPS). Identifiers: Orphanet 208650, MedGen C2316212, MONDO:0016168.

Allele frequency attached by ClinVar (database versions not stated): TOPMed below 0.00001.

Submission:

Labcorp Genetics (formerly Invitae), Labcorp
Classification: Uncertain significance for Cryopyrin associated periodic syndrome. Last evaluated: 2022-08-11. Review status: criteria provided, single submitter. Criteria: Invitae Variant Classification Sherloc (09022015). Collection method: clinical testing. Allele origin: germline.
Comment: In summary, the available evidence is currently insufficient to determine the role of this variant in disease. Therefore, it has been classified as a Variant of Uncertain Significance. Algorithms developed to predict the effect of missense changes on protein structure and function are either unavailable or do not agree on the potential impact of this missense change (SIFT: "Tolerated"; PolyPhen-2: "Possibly Damaging"; Align-GVGD: "Class C0"). This variant has not been reported in the literature in individuals affected with NLRP3-related conditions. This variant is not present in population databases (gnomAD no frequency). This sequence change replaces glutamic acid, which is acidic and polar, with valine, which is neutral and non-polar, at codon 802 of the NLRP3 protein (p.Glu802Val).

NM_001243133.2(NLRP3):c.2399A>T (p.Glu800Val)

Gene: NLRP3 (NLR family pyrin domain containing 3; plus strand). Cytogenetic location: 1q44.
Variant type: single nucleotide variant.
Coding change: c.2399A>T on transcript NM_001243133.2 (MANE Select); coding-DNA position 2399, A replaced by T.
Protein change: p.Glu800Val; replaces glutamic acid 800 with valine.
Molecular consequence: missense variant.
Genome position (GRCh38, 1-based): chr1:247,434,180, A>T. VCF-style: chr1-247434180-A-T. GRCh37 (hg19) VCF-style: chr1-247597482-A-T.
Other names: c.2399A>T, p.Glu800Val (NM_001079821.3, NM_001127461.3); c.2228A>T, p.Glu743Val (NM_001127462.3, NM_183395.3); c.2405A>T, p.Glu802Val (NM_004895.5); short protein forms E743V, E802V, E800V.
Identifiers: ClinVar variation 2082446 (VCV002082446.4), dbSNP rs1663610645, ClinGen allele CA345561111.